The following is an entry in ClinVar:

ClinVar aggregate classification (germline): Uncertain significance (1 of 4 stars; one submission).

Conditions:
KBG syndrome (KBGS). Also called: ANKRD11-Related KBG Syndrome. Identifiers: Orphanet 2332, MedGen C0220687, MONDO:0007846, OMIM 148050.

gnomAD v4.1: 20 of 1,613,968 alleles (0.0012%); highest among the groups gnomAD compares: Non-Finnish European, 0.0015%; no homozygotes.

Submission:

Labcorp Genetics (formerly Invitae), Labcorp
Classification: Uncertain significance for KBG syndrome. Last evaluated: 2025-01-01. Review status: criteria provided, single submitter. Criteria: Invitae Variant Classification Sherloc (09022015). Collection method: clinical testing. Allele origin: germline.
Comment: This sequence change replaces serine, which is neutral and polar, with arginine, which is basic and polar, at codon 832 of the ANKRD11 protein (p.Ser832Arg). This variant is present in population databases (no rsID available, gnomAD 0.007%). This variant has not been reported in the literature in individuals affected with ANKRD11-related conditions. Invitae Evidence Modeling of protein sequence and biophysical properties (such as structural, functional, and spatial information, amino acid conservation, physicochemical variation, residue mobility, and thermodynamic stability) indicates that this missense variant is not expected to disrupt ANKRD11 protein function with a negative predictive value of 95%. In summary, the available evidence is currently insufficient to determine the role of this variant in disease. Therefore, it has been classified as a Variant of Uncertain Significance.

NM_013275.6(ANKRD11):c.2496C>G (p.Ser832Arg)

Gene: ANKRD11 (ankyrin repeat domain 11; minus strand). Cytogenetic location: 16q24.3.
Variant type: single nucleotide variant.
Coding change: c.2496C>G on transcript NM_013275.6 (MANE Select); coding-DNA position 2496, C replaced by G.
Protein change: p.Ser832Arg; replaces serine 832 with arginine.
Molecular consequence: missense variant.
Genome position (GRCh38, 1-based): chr16:89,284,046, G>C on the plus strand (C>G on the coding strand, the complement: ANKRD11 is on the minus strand). VCF-style: chr16-89284046-G-C. GRCh37 (hg19) VCF-style: chr16-89350454-G-C.
Other names: c.2496C>G, p.Ser832Arg (NM_001256182.2, NM_001256183.2); short protein forms S832R.
Identifiers: ClinVar variation 3703262 (VCV003703262.2).